The following is an entry in ClinVar:

ClinVar aggregate classification (germline): Uncertain significance. Review status: criteria provided, multiple submitters, no conflicts (2 of 4 stars). 3 submissions from 3 submitters: Uncertain significance (3). Last evaluated 2024-05-17.

Conditions:
Autosomal recessive limb-girdle muscular dystrophy type 2J (LGMDR10). Also called: Limb-girdle muscular dystrophy, type 2J; MUSCULAR DYSTROPHY, LIMB-GIRDLE, AUTOSOMAL RECESSIVE 10. Identifiers: Orphanet 140922, MedGen C1837342, MONDO:0012127, OMIM 608807.
Dilated cardiomyopathy 1G (CMD1G). Identifiers: Orphanet 154, MedGen C1858763, MONDO:0011400, OMIM 604145.
Cardiovascular phenotype. Identifiers: MedGen CN230736.

Allele frequency attached by ClinVar (database versions not stated): gnomAD 0.00001; TOPMed 0.00001; ExAC 0.00002; gnomAD exomes 0.00002.
gnomAD v4.1: 10 of 1,613,498 alleles (0.00062%); highest among the groups gnomAD compares: Middle Eastern, 0.016%; no homozygotes.

Submissions (3):

ARUP Laboratories, Molecular Genetics and Genomics, ARUP Laboratories
Classification: Uncertain significance. Last evaluated: 2024-05-17. Review status: criteria provided, single submitter. Criteria: ARUP Molecular Germline Variant Investigation Process 2024. Collection method: clinical testing. Allele origin: germline.
Comment: The TTN c.83105G>A; p.Arg27702Gln variant (rs776136653; ClinVar Variation ID: 467551) is rare in the general population (<0.2% allele frequency in the Genome Aggregation Database) and has not been reported in the medical literature in association with dilated cardiomyopathy (DCM) or other TTN-related disease. The clinical relevance of rare missense variants in this gene, which are identified on average once per individual sequenced in affected populations (Herman 2012), is not well understood. Yet, evidence suggests that the vast majority of such missense variants do not contribute to the clinical outcome of DCM (Begay 2015). Thus, the clinical significance of the p.Arg27702Gln variant cannot be determined with certainty. References: Begay RL et al. Role of Titin Missense Variants in Dilated Cardiomyopathy. J Am Heart Assoc. 2015 Nov 13;4(11). PMID: 26567375. Herman DS et al. Truncations of titin causing dilated cardiomyopathy. N Engl J Med. 2012 Feb 16;366(7):619-28. PMID: 22335739. Linke WA and Hamdani N. Gigantic business: titin properties and function through thick and thin. Circ Res 2014; 114(6): 1052-1068. PMID: 24625729.

Labcorp Genetics (formerly Invitae), Labcorp
Classification: Uncertain significance for Dilated cardiomyopathy 1G; Autosomal recessive limb-girdle muscular dystrophy type 2J. Last evaluated: 2023-07-10. Review status: criteria provided, single submitter. Criteria: Invitae Variant Classification Sherloc (09022015). Collection method: clinical testing. Allele origin: germline.
Comment: This variant is present in population databases (rs776136653, gnomAD 0.01%). This sequence change replaces arginine, which is basic and polar, with glutamine, which is neutral and polar, at codon 27702 of the TTN protein (p.Arg27702Gln). This variant has not been reported in the literature in individuals affected with TTN-related conditions. ClinVar contains an entry for this variant (Variation ID: 467551). Experimental studies and prediction algorithms are not available or were not evaluated, and the functional significance of this variant is currently unknown. This variant is located in the A band of TTN (PMID: 25589632). Variants in this region may be relevant for cardiac or neuromuscular disorders (PMID: 25589632, 23975875). In summary, the available evidence is currently insufficient to determine the role of this variant in disease. Therefore, it has been classified as a Variant of Uncertain Significance.

Ambry Genetics
Classification: Uncertain significance for Cardiovascular phenotype. Last evaluated: 2019-06-07. Review status: criteria provided, single submitter. Criteria: Ambry Variant Classification Scheme 2023. Collection method: clinical testing. Allele origin: germline.
Comment: The p.R18637Q variant (also known as c.55910G>A), located in coding exon 153 of the TTN gene, results from a G to A substitution at nucleotide position 55910. The arginine at codon 18637 is replaced by glutamine, an amino acid with highly similar properties. This amino acid position is well conserved in available vertebrate species. In addition, this alteration is predicted to be tolerated by in silico analysis. Since supporting evidence is limited at this time, the clinical significance of this alteration remains unclear.

Literature cited by the submitters: PubMed 25589632 (cited by Labcorp Genetics (formerly Invitae), Labcorp); PubMed 23975875 (cited by Labcorp Genetics (formerly Invitae), Labcorp).

NM_001267550.2(TTN):c.83105G>A (p.Arg27702Gln)

Genes: TTN (titin; minus strand), TTN-AS1 (TTN antisense RNA 1; plus strand). Cytogenetic location: 2q31.2.
Variant type: single nucleotide variant.
Coding change: c.83105G>A on transcript NM_001267550.2 (MANE Select); coding-DNA position 83105, G replaced by A.
Protein change: p.Arg27702Gln; replaces arginine 27702 with glutamine.
Molecular consequence: missense variant.
Genome position (GRCh38, 1-based): chr2:178,563,027, C>T on the plus strand (G>A on the coding strand, the complement: TTN is on the minus strand). VCF-style: chr2-178563027-C-T. GRCh37 (hg19) VCF-style: chr2-179427754-C-T.
Other names: c.78182G>A, p.Arg26061Gln (NM_001256850.1); c.55910G>A, p.Arg18637Gln (NM_003319.4); c.75401G>A, p.Arg25134Gln (NM_133378.4); c.56285G>A, p.Arg18762Gln (NM_133432.3); c.56486G>A, p.Arg18829Gln (NM_133437.4); short protein forms R27702Q, R18637Q, R26061Q, R25134Q, R18762Q, R18829Q.
Identifiers: ClinVar variation 467551 (VCV000467551.12), dbSNP rs776136653, ClinGen allele CA1988969.